The following is an entry in ClinVar:

NM_000135.4(FANCA):c.3388A>G (p.Ile1130Val)

Genes: FANCA (FA complementation group A; minus strand), LOC132090450 (Neanderthal introgressed variant-containing enhancer experimental_46718; plus strand). Cytogenetic location: 16q24.3.
Variant type: single nucleotide variant.
Coding change: c.3388A>G on transcript NM_000135.4 (MANE Select); coding-DNA position 3388, A replaced by G.
Protein change: p.Ile1130Val; replaces isoleucine 1130 with valine.
Molecular consequence: missense variant.
Genome position (GRCh38, 1-based): chr16:89,746,851, T>C on the plus strand (A>G on the coding strand, the complement: FANCA is on the minus strand). VCF-style: chr16-89746851-T-C. GRCh37 (hg19) VCF-style: chr16-89813259-T-C.
Other names: c.3388A>G, p.Ile1130Val (NM_001286167.3); short protein forms I1130V.
Identifiers: ClinVar variation 836344 (VCV000836344.11), dbSNP rs2038408286, ClinGen allele CA397486083.
Genomic context (GRCh38, chr16:89,746,851, plus strand): 5'-TTCTGAGAAGGCCACGAGAGGGGCTGAGGGAGCATCTCACCCTGAAGAAGTGGGCAGTGA[T>C]GTCCTGTGTCAGGGCACCTCCGTGGGAGCAGAAGTTTCTCTGCAAAAGAGTTCAAGGCAG-3'
Protein context (NP_000126.2, residues 1120-1140): CSHGGALTQD[Ile1130Val]TAHFFRGLLN

ClinVar aggregate classification (germline): Uncertain significance. Review status: criteria provided, multiple submitters, no conflicts (2 of 4 stars). 2 submissions from 2 submitters: Uncertain significance (2). Last evaluated 2026-03-15.

Conditions:
Inborn genetic diseases. Identifiers: MedGen C0950123, MeSH D030342.
Fanconi anemia (FA). Also called: Fanconi's anemia. Identifiers: Orphanet 84, MedGen C0015625, MeSH D005199, MONDO:0019391.

Submissions (2):

Ambry Genetics
Classification: Uncertain significance for Inborn genetic diseases. Last evaluated: 2026-03-15. Review status: criteria provided, single submitter. Criteria: Ambry Variant Classification Scheme 2023. Collection method: clinical testing. Allele origin: germline.
Comment: The p.I1130V variant (also known as c.3388A>G), located in coding exon 34 of the FANCA gene, results from an A to G substitution at nucleotide position 3388. The isoleucine at codon 1130 is replaced by valine, an amino acid with highly similar properties. This amino acid position is conserved. In addition, this alteration is predicted to be tolerated by in silico analysis. Based on the available evidence, the clinical significance of this variant remains unclear.

Labcorp Genetics (formerly Invitae), Labcorp
Classification: Uncertain significance for Fanconi anemia. Last evaluated: 2026-01-10. Review status: criteria provided, single submitter. Criteria: Invitae Variant Classification Sherloc (09022015). Collection method: clinical testing. Allele origin: germline.
Comment: This sequence change replaces isoleucine, which is neutral and non-polar, with valine, which is neutral and non-polar, at codon 1130 of the FANCA protein (p.Ile1130Val). This variant is not present in population databases (gnomAD no frequency). This variant has not been reported in the literature in individuals affected with FANCA-related conditions. ClinVar contains an entry for this variant (Variation ID: 836344). Invitae Evidence Modeling of protein sequence and biophysical properties (such as structural, functional, and spatial information, amino acid conservation, physicochemical variation, residue mobility, and thermodynamic stability) indicates that this missense variant is not expected to disrupt FANCA protein function with a negative predictive value of 95%. In summary, the available evidence is currently insufficient to determine the role of this variant in disease. Therefore, it has been classified as a Variant of Uncertain Significance.